The following is an entry in ClinVar:

ClinVar aggregate classification (germline): Uncertain significance (1 of 4 stars; one submission).

Submission:

Dasa
Classification: Uncertain significance. Last evaluated: 2025-07-03. Review status: criteria provided, single submitter. Criteria: DASA Assertion Criteria. Collection method: clinical testing. Allele origin: germline.
Comment: NM_144658.4(DOCK11):c.1459G>A (p.Gly487Arg) is a missense variant that results in the substitution of glycine with arginine. This variant is rare in population databases. Computational prediction algorithms are consistent with a benign effect. The currently available literature and clinical evidence are not sufficient to establish a definitive association between this variant and the reported condition. Therefore, this variant is classified as a variant of uncertain significance.

NM_144658.4(DOCK11):c.1459G>A (p.Gly487Arg)

Gene: DOCK11 (dedicator of cytokinesis 11; plus strand). Cytogenetic location: Xq24.
Variant type: single nucleotide variant.
Coding change: c.1459G>A on transcript NM_144658.4 (MANE Select); coding-DNA position 1459, G replaced by A.
Protein change: p.Gly487Arg; replaces glycine 487 with arginine.
Molecular consequence: missense variant.
Genome position (GRCh38, 1-based): chrX:118,578,594, G>A. VCF-style: chrX-118578594-G-A. GRCh37 (hg19) VCF-style: chrX-117712557-G-A.
Other names: short protein forms G487R.
Identifiers: ClinVar variation 4885499 (VCV004885499.2).